The following is an entry in ClinVar:

NM_019014.6(POLR1B):c.1360T>A (p.Cys454Ser)

Gene: POLR1B (RNA polymerase I subunit B; plus strand). Cytogenetic location: 2q14.1.
Variant type: single nucleotide variant.
Coding change: c.1360T>A on transcript NM_019014.6 (MANE Select); coding-DNA position 1360, T replaced by A.
Protein change: p.Cys454Ser; replaces cysteine 454 with serine.
Molecular consequence: missense variant. On other transcripts: intron variant (1).
Genome position (GRCh38, 1-based): chr2:112,559,322, T>A. VCF-style: chr2-112559322-T-A. GRCh37 (hg19) VCF-style: chr2-113316899-T-A.
Other names: c.1192T>A, p.Cys398Ser (NM_001137604.3); c.1474T>A, p.Cys492Ser (NM_001282772.2); c.727T>A, p.Cys243Ser (NM_001282776.2, NM_001371971.1); c.943T>A, p.Cys315Ser (NM_001282777.2, NM_001282779.2, NM_001371970.1); c.1360T>A, p.Cys454Ser (NM_001371969.1); c.1159-5044T>A (NM_001282774.2); short protein forms C243S, C315S, C398S, C454S, C492S.
Identifiers: ClinVar variation 3347788 (VCV003347788.1).

ClinVar aggregate classification (germline): Uncertain significance (0 of 4 stars; one submission).

Conditions:
POLR1B-related disorder. Also called: POLR1B-related condition.

gnomAD v4.1: 1 of 1,614,204 alleles (0.000062%); highest among the groups gnomAD compares: Non-Finnish European, 0.000085%; no homozygotes.

Submission:

PreventionGenetics, part of Exact Sciences
Classification: Uncertain significance for POLR1B-related condition. Last evaluated: 2024-05-31. Review status: no assertion criteria provided. Collection method: clinical testing. Allele origin: germline.
Comment: The POLR1B c.1474T>A variant is predicted to result in the amino acid substitution p.Cys492Ser. To our knowledge, this variant has not been reported in the literature or in a large population database, indicating this variant is rare. At this time, the clinical significance of this variant is uncertain due to the absence of conclusive functional and genetic evidence.